The following is an entry in ClinVar:

ClinVar aggregate classification (germline): Uncertain significance (1 of 4 stars; one submission).

Submission:

Labcorp Genetics (formerly Invitae), Labcorp
Classification: Uncertain significance. Last evaluated: 2022-05-17. Review status: criteria provided, single submitter. Criteria: Invitae Variant Classification Sherloc (09022015). Collection method: clinical testing. Allele origin: germline.
Comment: Algorithms developed to predict the effect of missense changes on protein structure and function are either unavailable or do not agree on the potential impact of this missense change (SIFT: "Deleterious"; PolyPhen-2: "Probably Damaging"; Align-GVGD: "Class C0"). This variant has not been reported in the literature in individuals affected with PNPLA8-related conditions. This variant is not present in population databases (gnomAD no frequency). This sequence change replaces serine, which is neutral and polar, with glycine, which is neutral and non-polar, at codon 358 of the PNPLA8 protein (p.Ser358Gly). In summary, the available evidence is currently insufficient to determine the role of this variant in disease. Therefore, it has been classified as a Variant of Uncertain Significance.

NM_001256007.3(PNPLA8):c.1072A>G (p.Ser358Gly)

Gene: PNPLA8 (patatin like domain 8, phospholipase A2; minus strand). Cytogenetic location: 7q31.1.
Variant type: single nucleotide variant.
Coding change: c.1072A>G on transcript NM_001256007.3 (MANE Select); coding-DNA position 1072, A replaced by G.
Protein change: p.Ser358Gly; replaces serine 358 with glycine.
Molecular consequence: missense variant.
Genome position (GRCh38, 1-based): chr7:108,514,278, T>C on the plus strand (A>G on the coding strand, the complement: PNPLA8 is on the minus strand). VCF-style: chr7-108514278-T-C. GRCh37 (hg19) VCF-style: chr7-108154722-T-C.
Other names: c.1072A>G, p.Ser358Gly (NM_001256008.3, NM_001256009.3, NM_015723.5); c.772A>G, p.Ser258Gly (NM_001256010.3, NM_001256011.3); short protein forms S258G, S358G.
Identifiers: ClinVar variation 2081285 (VCV002081285.4), dbSNP rs1168700423, ClinGen allele CA368897440.